The following is an entry in ClinVar:

ClinVar aggregate classification (germline): Uncertain significance (1 of 4 stars; one submission).

Conditions:
Hereditary cancer-predisposing syndrome. Also called: Neoplastic Syndromes, Hereditary; Tumor predisposition; Hereditary neoplastic syndrome; Hereditary Cancer Syndrome. Identifiers: Orphanet 140162, MedGen C0027672, MeSH D009386, MONDO:0015356.

Submission:

Ambry Genetics
Classification: Uncertain significance for Hereditary cancer-predisposing syndrome. Last evaluated: 2026-07-06. Review status: criteria provided, single submitter. Criteria: Ambry Variant Classification Scheme 2023. Collection method: clinical testing. Allele origin: germline.
Comment: The p.F626L variant (also known as c.1876T>C), located in coding exon 12 of the CDH1 gene, results from a T to C substitution at nucleotide position 1876. The phenylalanine at codon 626 is replaced by leucine, an amino acid with highly similar properties. This amino acid position is conserved. In addition, the in silico prediction for this alteration is inconclusive. Based on the available evidence, the clinical significance of this variant remains unclear.

NM_004360.5(CDH1):c.1876T>C (p.Phe626Leu)

Gene: CDH1 (cadherin 1; plus strand). Cytogenetic location: 16q22.1.
Variant type: single nucleotide variant.
Coding change: c.1876T>C on transcript NM_004360.5 (MANE Select); coding-DNA position 1876, T replaced by C.
Protein change: p.Phe626Leu; replaces phenylalanine 626 with leucine.
Molecular consequence: missense variant. On other transcripts: 5 prime UTR variant (1).
Genome position (GRCh38, 1-based): chr16:68,822,165, T>C. VCF-style: chr16-68822165-T-C. GRCh37 (hg19) VCF-style: chr16-68856068-T-C.
Other names: c.1693T>C, p.Phe565Leu (NM_001317184.2); c.328T>C, p.Phe110Leu (NM_001317185.2); c.-90T>C (NM_001317186.2); short protein forms F626L, F565L, F110L.
Identifiers: ClinVar variation 5033941 (VCV005033941.1).